The following is an entry in ClinVar:

ClinVar aggregate classification (germline): Uncertain significance (1 of 4 stars; one submission).

Conditions:
Epileptic encephalopathy. Identifiers: MedGen C0543888, HP:0200134.

gnomAD v4.1: 1 of 1,612,994 alleles (0.000062%); highest among the groups gnomAD compares: Non-Finnish European, 0.000085%; no homozygotes.

Submission:

Labcorp Genetics (formerly Invitae), Labcorp
Classification: Uncertain significance for Epileptic encephalopathy. Last evaluated: 2022-12-23. Review status: criteria provided, single submitter. Criteria: Invitae Variant Classification Sherloc (09022015). Collection method: clinical testing. Allele origin: germline.
Comment: In summary, the available evidence is currently insufficient to determine the role of this variant in disease. Therefore, it has been classified as a Variant of Uncertain Significance. Algorithms developed to predict the effect of missense changes on protein structure and function are either unavailable or do not agree on the potential impact of this missense change (SIFT: "Deleterious"; PolyPhen-2: "Probably Damaging"; Align-GVGD: "Class C0"). This variant has not been reported in the literature in individuals affected with FASN-related conditions. This variant is not present in population databases (gnomAD no frequency). This sequence change replaces glycine, which is neutral and non-polar, with cysteine, which is neutral and slightly polar, at codon 29 of the FASN protein (p.Gly29Cys).

NM_004104.5(FASN):c.85G>T (p.Gly29Cys)

Gene: FASN (fatty acid synthase; minus strand). Cytogenetic location: 17q25.3.
Variant type: single nucleotide variant.
Coding change: c.85G>T on transcript NM_004104.5 (MANE Select); coding-DNA position 85, G replaced by T.
Protein change: p.Gly29Cys; replaces glycine 29 with cysteine.
Molecular consequence: missense variant.
Genome position (GRCh38, 1-based): chr17:82,096,361, C>A on the plus strand (G>T on the coding strand, the complement: FASN is on the minus strand). VCF-style: chr17-82096361-C-A. GRCh37 (hg19) VCF-style: chr17-80054237-C-A.
Other names: short protein forms G29C.
Identifiers: ClinVar variation 2881164 (VCV002881164.3), dbSNP rs762641757, ClinGen allele CA401566941.